The following is an entry in ClinVar:

ClinVar aggregate classification (germline): Uncertain significance (1 of 4 stars; one submission).

Conditions:
Arrhythmogenic right ventricular dysplasia 10. Also called: Arrhythmogenic Right Ventricular Dysplasia/Cardiomyopathy10; ARRHYTHMOGENIC RIGHT VENTRICULAR DYSPLASIA, FAMILIAL, 10; Arrhythmogenic right ventricular dysplasia/cardiomyopathy, type 10. Identifiers: MedGen C1857777, MONDO:0012434, OMIM 610193.

gnomAD v4.1: 1 of 1,608,146 alleles (0.000062%); highest among the groups gnomAD compares: East Asian, 0.0022%; no homozygotes.

Submission:

Labcorp Genetics (formerly Invitae), Labcorp
Classification: Uncertain significance for Arrhythmogenic right ventricular dysplasia 10. Last evaluated: 2023-04-16. Review status: criteria provided, single submitter. Criteria: Invitae Variant Classification Sherloc (09022015). Collection method: clinical testing. Allele origin: germline.
Comment: In summary, the available evidence is currently insufficient to determine the role of this variant in disease. Therefore, it has been classified as a Variant of Uncertain Significance. Advanced modeling of protein sequence and biophysical properties (such as structural, functional, and spatial information, amino acid conservation, physicochemical variation, residue mobility, and thermodynamic stability) performed at Invitae indicates that this missense variant is not expected to disrupt DSG2 protein function. This variant has not been reported in the literature in individuals affected with DSG2-related conditions. This variant is present in population databases (no rsID available, gnomAD 0.006%). This sequence change replaces proline, which is neutral and non-polar, with arginine, which is basic and polar, at codon 978 of the DSG2 protein (p.Pro978Arg).

NM_001943.5(DSG2):c.2933C>G (p.Pro978Arg)

Genes: DSG2 (desmoglein 2; plus strand), DSG2-AS1 (DSG2 antisense RNA 1; minus strand). Cytogenetic location: 18q12.1.
Variant type: single nucleotide variant.
Coding change: c.2933C>G on transcript NM_001943.5 (MANE Select); coding-DNA position 2933, C replaced by G.
Protein change: p.Pro978Arg; replaces proline 978 with arginine.
Molecular consequence: missense variant.
Genome position (GRCh38, 1-based): chr18:31,546,319, C>G. VCF-style: chr18-31546319-C-G. GRCh37 (hg19) VCF-style: chr18-29126282-C-G.
Other names: short protein forms P978R.
Identifiers: ClinVar variation 2731431 (VCV002731431.3), dbSNP rs1184667402, ClinGen allele CA402147424.